The following is an entry in ClinVar:

ClinVar aggregate classification (germline): Uncertain significance (0 of 4 stars; one submission).

Conditions:
SEMA3D-related disorder. Also called: SEMA3D-related condition.

gnomAD v4.1: 33 of 1,612,414 alleles (0.002%); highest among the groups gnomAD compares: East Asian, 0.013%; no homozygotes.

Submission:

PreventionGenetics, part of Exact Sciences
Classification: Uncertain significance for SEMA3D-related condition. Last evaluated: 2024-05-27. Review status: no assertion criteria provided. Collection method: clinical testing. Allele origin: germline.
Comment: The SEMA3D c.1283A>G variant is predicted to result in the amino acid substitution p.Tyr428Cys. To our knowledge, this variant has not been reported in the literature. This variant is reported in 0.0062% of alleles in individuals of African descent in gnomAD. At this time, the clinical significance of this variant is uncertain due to the absence of conclusive functional and genetic evidence.

NM_001384900.1(SEMA3D):c.1283A>G (p.Tyr428Cys)

Gene: SEMA3D (semaphorin 3D; minus strand). Cytogenetic location: 7q21.11.
Variant type: single nucleotide variant.
Coding change: c.1283A>G on transcript NM_001384900.1 (MANE Select); coding-DNA position 1283, A replaced by G.
Protein change: p.Tyr428Cys; replaces tyrosine 428 with cysteine.
Molecular consequence: missense variant.
Genome position (GRCh38, 1-based): chr7:85,022,522, T>C on the plus strand (A>G on the coding strand, the complement: SEMA3D is on the minus strand). VCF-style: chr7-85022522-T-C. GRCh37 (hg19) VCF-style: chr7-84651838-T-C.
Other names: c.1283A>G, p.Tyr428Cys (NM_001384901.1, NM_001384902.1, NM_001384903.1 and 1 more transcripts); short protein forms Y428C.
Identifiers: ClinVar variation 3354416 (VCV003354416.1).